The following is an entry in ClinVar:

NM_000138.5(FBN1):c.6629_6639dup (p.Pro2214fs)

Gene: FBN1 (fibrillin 1; minus strand). Cytogenetic location: 15q21.1.
Variant type: Duplication.
Coding change: c.6629_6639dup on transcript NM_000138.5 (MANE Select); coding-DNA positions 6629 to 6639, 11 bases duplicated (GTGCCCAGAAT).
Protein change: p.Pro2214fs; shifts the reading frame from proline 2214.
Molecular consequence: frameshift variant.
Genome position (GRCh38, 1-based): chr15:48,432,966-48,432,976, ATTCTGGGCAC duplicated on the plus strand (GTGCCCAGAAT on the coding strand, the reverse complement: FBN1 is on the minus strand); duplicating any 11 consecutive bases within chr15:48,432,966-48,432,980 gives the same sequence; the c. name uses the placement nearest the transcript's 3' end. VCF-style (leftmost placement, unchanged base first): chr15-48432965-G-GATTCTGGGCAC. GRCh37 (hg19) VCF-style: chr15-48725162-G-GATTCTGGGCAC.
Other names: c.6629_6639dup, p.Pro2214fs (NM_001406716.1); short protein forms P2214fs.
Identifiers: ClinVar variation 2942605 (VCV002942605.3), dbSNP rs2505425229, ClinGen allele CA2740096574.

ClinVar aggregate classification (germline): Pathogenic (1 of 4 stars; one submission).

Conditions:
Marfan syndrome (MFS). Also called: MARFAN SYNDROME, TYPE I; Marfan syndrome type 1; Marfan's syndrome; Marfan syndrome, classic; FBN1-Related Marfan Syndrome. Identifiers: Orphanet 284963, Orphanet 558, MedGen C0024796, MONDO:0007947, OMIM 154700.
Familial thoracic aortic aneurysm and aortic dissection (TAAD). Also called: Thoracic aortic aneurysms and dissections. Identifiers: Orphanet 91387, MedGen C4707243, MONDO:0019625.

Submission:

Labcorp Genetics (formerly Invitae), Labcorp
Classification: Pathogenic for Marfan syndrome; Familial thoracic aortic aneurysm and aortic dissection. Last evaluated: 2022-12-23. Review status: criteria provided, single submitter. Criteria: Invitae Variant Classification Sherloc (09022015). Collection method: clinical testing. Allele origin: germline.
Comment: For these reasons, this variant has been classified as Pathogenic. This variant has not been reported in the literature in individuals affected with FBN1-related conditions. This variant is not present in population databases (gnomAD no frequency). This sequence change creates a premature translational stop signal (p.Pro2214Valfs*13) in the FBN1 gene. It is expected to result in an absent or disrupted protein product. Loss-of-function variants in FBN1 are known to be pathogenic (PMID: 17657824, 19293843).

Literature cited by the submitters: PubMed 17657824; PubMed 19293843.